The following is an entry in ClinVar:

GRCh38/hg38 16p13.3(chr16:1515602-1521308)x3

Gene: IFT140 (intraflagellar transport 140; minus strand). Cytogenetic location: 16p13.3.
Variant type: copy number gain.
Change: copy number 3 (three copies instead of two) of chr16:1,515,602-1,521,308 (5.7 kb, GRCh38 coordinates, 1-based), cytogenetic band 16p13.3.
Identifiers: ClinVar variation 2579205 (VCV002579205.1).

ClinVar aggregate classification (germline): Pathogenic (1 of 4 stars; one submission).

Conditions:
Saldino-Mainzer syndrome (SRTD9). Also called: short-rib thoracic dysplasia 9 with or without polydactyly; CONORENAL SYNDROME; Renal dysplasia, retinal pigmentary dystrophy, cerebellar ataxia and skeletal dysplasia; SHORT-RIB THORACIC DYSPLASIA 9 WITHOUT POLYDACTYLY. Identifiers: Orphanet 140969, MedGen C1849437, MONDO:0009964, OMIM 266920.

Submission:

Broad Center for Mendelian Genomics, Broad Institute of MIT and Harvard
Classification: Pathogenic for Saldino-Mainzer syndrome. Last evaluated: 2023-08-24. Review status: criteria provided, single submitter. Criteria: ACMG/ClinGen CNV Guidelines, 2019. Collection method: research. Allele origin: maternal. Inheritance: Autosomal recessive inheritance. Affected: yes.
Comment: The patient phenotype is nonspecific, but is consistent with cases described in the literature and/or published databases with overlapping variants. An exon 27-30 duplication in IFT140 has been reported in ClinVar (Variation ID: 523177) and has been interpreted as likely pathogenic by the Laboratory of Medical Genetics (UMR_S 1112), INSERM/Strasbourg University. This intragenic exon duplication has also been reported in nine individuals in the literature with a ciliopathy phenotype (PMID: 29688594, 35873489). Of the affected individuals, seven were compound heterozygotes who carried a reported pathogenic/likely pathogenic variant in trans or with unknown phase, and two were homozygotes, which increases the likelihood that this variant is pathogenic (Variation ID: 523179, 523178, 31683; PMID: 29688594, 35873489). Genome sequencing reads support that this intragenic duplication is in tandem. The impact of this in frame intragenic duplication on the reading frame is unclear. Loss of function of IFT140 is an established disease mechanism in short-rib thoracic dysplasia. In vitro functional studies provide some evidence that the exon 27-30 duplication variant may impact protein function. The protein could not be identified by Western Blot in fibroblasts from patients with the duplication, and abnormal cilium formation and abnormal IFT140 were observed in cells from affected patients with the duplication (PMID: 29688594). However, these types of assays may not accurately represent biological function. In summary, this variant meets criteria to be classified as pathogenic for autosomal recessive short-rib thoracic dysplasia. The ACMG/ClinGen evidence codes and points used in this curation are as follows: 1: 0 points, 2: 0 points, 4-5: 1.13 points, functional evidence: 0.15 points; Total: 1.28 points; Riggs 2020 (PMID: 31690835).

Literature cited by the submitters: PubMed 29688594; PubMed 35873489.